The following is an entry in ClinVar:

NM_198060.4(NRAP):c.3260G>T (p.Ser1087Ile)

Gene: NRAP (nebulin related anchoring protein; minus strand). Cytogenetic location: 10q25.3.
Variant type: single nucleotide variant.
Coding change: c.3260G>T on transcript NM_198060.4 (MANE Select); coding-DNA position 3260, G replaced by T.
Protein change: p.Ser1087Ile; replaces serine 1087 with isoleucine.
Molecular consequence: missense variant.
Genome position (GRCh38, 1-based): chr10:113,614,223, C>A on the plus strand (G>T on the coding strand, the complement: NRAP is on the minus strand). VCF-style: chr10-113614223-C-A. GRCh37 (hg19) VCF-style: chr10-115373982-C-A.
Other names: c.3260G>T, p.Ser1087Ile (NM_001261463.2); c.3152G>T, p.Ser1051Ile (NM_001322945.2); c.3155G>T, p.Ser1052Ile (NM_006175.5); c.3260G>T (NM_198060.2); short protein forms S1051I, S1052I, S1087I.
Identifiers: ClinVar variation 3370961 (VCV003370961.2).

ClinVar aggregate classification (germline): Uncertain significance. Review status: criteria provided, multiple submitters, no conflicts (2 of 4 stars). 2 submissions from 2 submitters: Uncertain significance (2). Last evaluated 2025-09-11.

Conditions:
Inborn genetic diseases. Identifiers: MedGen C0950123, MeSH D030342.

gnomAD v4.1: 36 of 1,614,050 alleles (0.0022%); highest among the groups gnomAD compares: African/African-American, 0.047%; no homozygotes.

Submissions (2):

Ambry Genetics
Classification: Uncertain significance for Inborn genetic diseases. Last evaluated: 2025-09-11. Review status: criteria provided, single submitter. Criteria: Ambry Variant Classification Scheme 2023. Collection method: clinical testing. Allele origin: germline.

GeneDx
Classification: Uncertain significance. Last evaluated: 2024-03-13. Review status: criteria provided, single submitter. Criteria: GeneDx Variant Classification Process June 2021. Collection method: clinical testing. Allele origin: germline. Affected: yes.
Comment: In silico analysis supports that this missense variant has a deleterious effect on protein structure/function; Has not been previously published as pathogenic or benign to our knowledge